The following is an entry in ClinVar:

NM_003743.5(NCOA1):c.3745C>G (p.Leu1249Val)

Gene: NCOA1 (nuclear receptor coactivator 1; plus strand). Cytogenetic location: 2p23.3.
Variant type: single nucleotide variant.
Coding change: c.3745C>G on transcript NM_003743.5 (MANE Select); coding-DNA position 3745, C replaced by G.
Protein change: p.Leu1249Val; replaces leucine 1249 with valine.
Molecular consequence: missense variant.
Genome position (GRCh38, 1-based): chr2:24,752,020, C>G. VCF-style: chr2-24752020-C-G. GRCh37 (hg19) VCF-style: chr2-24974889-C-G.
Other names: c.3745C>G, p.Leu1249Val (NM_001362950.1, NM_001362952.1, NM_001362954.1 and 3 more transcripts); short protein forms L1249V.
Identifiers: ClinVar variation 4990962 (VCV004990962.1).

ClinVar aggregate classification (germline): Uncertain significance (1 of 4 stars; one submission).

Conditions:
NCOA1-related disorder. Also called: NCOA1-related condition.

Submission:

PreventionGenetics, part of Exact Sciences
Classification: Uncertain significance for NCOA1-related condition. Last evaluated: 2026-05-07. Review status: criteria provided, single submitter. Criteria: ACMG Guidelines, 2015. Collection method: clinical testing. Allele origin: germline.
Comment: The NCOA1 c.3745C>G variant is predicted to result in the amino acid substitution p.Leu1249Val. To our knowledge, this variant has not been reported in the literature or in a large population database (gnomAD), indicating this variant is rare. At this time, the clinical significance of this variant is uncertain due to the absence of conclusive functional and genetic evidence.